The following is an entry in ClinVar:

NM_007317.3(KIF22):c.950G>A (p.Arg317His)

Gene: KIF22 (kinesin family member 22; plus strand). Cytogenetic location: 16p11.2.
Variant type: single nucleotide variant.
Coding change: c.950G>A on transcript NM_007317.3 (MANE Select); coding-DNA position 950, G replaced by A.
Protein change: p.Arg317His; replaces arginine 317 with histidine.
Molecular consequence: missense variant.
Genome position (GRCh38, 1-based): chr16:29,799,454, G>A. VCF-style: chr16-29799454-G-A. GRCh37 (hg19) VCF-style: chr16-29810775-G-A.
Other names: c.746G>A, p.Arg249His (NM_001256269.2, NM_001256270.1); short protein forms R317H, R249H.
Identifiers: ClinVar variation 2787293 (VCV002787293.3), dbSNP rs748823568, ClinGen allele CA7993119.
Genomic context (GRCh38, chr16:29,799,454, plus strand): 5'-TCAACACCTCCCTGTTTGTCCTGGGCAAAGTGGTAGATGCGCTGAATCAGGGCCTCCCTC[G>A]TGTACCTTATCGGGACAGCAAGCTCACTCGCCTATTGCAGGTCAGGCCCACCTGTCTCAG-3'
Protein context (NP_015556.1, residues 307-327): VVDALNQGLP[Arg317His]VPYRDSKLTR

ClinVar aggregate classification (germline): Uncertain significance (1 of 4 stars; one submission).

Allele frequency attached by ClinVar (database versions not stated): TOPMed below 0.00001; ExAC 0.00001; gnomAD 0.00001.
gnomAD v4.1: 14 of 1,614,054 alleles (0.00087%); highest among the groups gnomAD compares: South Asian, 0.0044%; no homozygotes.

Submission:

Labcorp Genetics (formerly Invitae), Labcorp
Classification: Uncertain significance. Last evaluated: 2023-04-21. Review status: criteria provided, single submitter. Criteria: Invitae Variant Classification Sherloc (09022015). Collection method: clinical testing. Allele origin: germline.
Comment: This sequence change replaces arginine, which is basic and polar, with histidine, which is basic and polar, at codon 317 of the KIF22 protein (p.Arg317His). In summary, the available evidence is currently insufficient to determine the role of this variant in disease. Therefore, it has been classified as a Variant of Uncertain Significance. Advanced modeling of protein sequence and biophysical properties (such as structural, functional, and spatial information, amino acid conservation, physicochemical variation, residue mobility, and thermodynamic stability) performed at Invitae indicates that this missense variant is not expected to disrupt KIF22 protein function. This variant has not been reported in the literature in individuals affected with KIF22-related conditions. The frequency data for this variant in the population databases is considered unreliable, as metrics indicate poor data quality at this position in the gnomAD database.